The following is an entry in ClinVar:

NM_000548.5(TSC2):c.3814+1G>C

Gene: TSC2 (TSC complex subunit 2; plus strand). Cytogenetic location: 16p13.3.
Variant type: single nucleotide variant.
Coding change: c.3814+1G>C on transcript NM_000548.5 (MANE Select); the canonical splice donor site of the intron after coding-DNA position 3814, G replaced by C.
Molecular consequence: splice donor variant.
Genome position (GRCh38, 1-based): chr16:2,081,799, G>C. VCF-style: chr16-2081799-G-C. GRCh37 (hg19) VCF-style: chr16-2131800-G-C.
Other names: c.2341+1G>C (NM_001406693.1, NM_001406690.1, NM_001406692.1 and 1 more transcripts); c.3775+1G>C (NM_001406667.1); c.3772+1G>C (NM_001406668.1); c.3214+1G>C (NM_001406680.1, NM_001406683.1, NM_001406682.1); c.3082+1G>C (NM_001406687.1, NM_001318831.2, NM_001406688.1); c.2470+1G>C (NM_001406689.1); c.2338+1G>C (NM_001406691.1, NM_001406697.1, NM_001406695.1 and 1 more transcripts); c.2080+1G>C (NM_001406698.1); and 18 more.
Identifiers: ClinVar variation 65032 (VCV000065032.5), dbSNP rs397514902, ClinGen allele CA019563.

ClinVar aggregate classification (germline): Likely pathogenic. Review status: criteria provided, single submitter (1 of 4 stars). 2 submissions from 2 submitters: Likely pathogenic (1). 1 of the submissions does not count toward it. Last evaluated 2022-07-06.

Conditions:
Tuberous sclerosis syndrome (TSC). Also called: Tuberous Sclerosis Complex; Tuberous sclerosis. Identifiers: Orphanet 805, MedGen C0041341, MONDO:0001734.

Submissions (2):

ARUP Laboratories, Molecular Genetics and Genomics, ARUP Laboratories
Classification: Likely pathogenic. Last evaluated: 2022-07-06. Review status: criteria provided, single submitter. Criteria: ARUP Molecular Germline Variant Investigation Process 2021. Collection method: clinical testing. Allele origin: germline.
Comment: The TSC2 c.3814+1G>C variant (rs397514902), to our knowledge, is not reported in the medical literature but is reported in ClinVar (Variation ID: 65032). This variant is absent from the Genome Aggregation Database, indicating it is not a common polymorphism. This variant disrupts the canonical splice donor site of intron 31, which is likely to negatively impact gene function. Based on available information, this variant is considered to be likely pathogenic.

Tuberous sclerosis database (TSC2)
No classification provided. Condition: TSC. Review status: no classification provided. Criteria: Tuberous Sclerosis Database Assertion Criteria 2015. Collection method: curation. Allele origin: germline. Affected: yes. Not counted in ClinVar's aggregate classification.